The following is an entry in ClinVar:

ClinVar aggregate classification (germline): Uncertain significance (1 of 4 stars; one submission).

Conditions:
Mucopolysaccharidosis, MPS-II (MPS2). Also called: IDURONATE 2-SULFATASE DEFICIENCY; Mucopolysaccharidosis Type II; Attenuated MPS (subtype; formerly known as mild MPS II); Severe MPS II; I2S deficiency; MPS 2. Identifiers: Orphanet 580, Orphanet 79388, MedGen C0026705, MONDO:0010674, OMIM 309900.

Submission:

Labcorp Genetics (formerly Invitae), Labcorp
Classification: Uncertain significance for Mucopolysaccharidosis, MPS-II. Last evaluated: 2023-11-27. Review status: criteria provided, single submitter. Criteria: Invitae Variant Classification Sherloc (09022015). Collection method: clinical testing. Allele origin: germline.
Comment: This sequence change falls in intron 5 of the IDS gene. It does not directly change the encoded amino acid sequence of the IDS protein. It affects a nucleotide within the consensus splice site. This variant is not present in population databases (gnomAD no frequency). This variant has not been reported in the literature in individuals affected with IDS-related conditions. Variants that disrupt the consensus splice site are a relatively common cause of aberrant splicing (PMID: 17576681, 9536098). Algorithms developed to predict the effect of sequence changes on RNA splicing suggest that this variant is not likely to affect RNA splicing. In summary, the available evidence is currently insufficient to determine the role of this variant in disease. Therefore, it has been classified as a Variant of Uncertain Significance.

Literature cited by the submitters: PubMed 17576681; PubMed 9536098.

NM_000202.8(IDS):c.708+6G>T

Genes: IDS (iduronate 2-sulfatase; minus strand), LOC106050102 (IDS recombination region; plus strand). Cytogenetic location: Xq28.
Variant type: single nucleotide variant.
Coding change: c.708+6G>T on transcript NM_000202.8 (MANE Select); 6 bases into the intron after coding-DNA position 708, G replaced by T.
Molecular consequence: intron variant.
Genome position (GRCh38, 1-based): chrX:149,498,101, C>A on the plus strand (G>T on the coding strand, the complement: IDS is on the minus strand). VCF-style: chrX-149498101-C-A. GRCh37 (hg19) VCF-style: chrX-148579632-C-A.
Other names: c.438+6G>T (NM_001166550.4); c.708+6G>T (NM_006123.5).
Identifiers: ClinVar variation 2855861 (VCV002855861.3), dbSNP rs2520862010, ClinGen allele CA2739273793.